The following is an entry in ClinVar:

ClinVar aggregate classification (germline): Uncertain significance (1 of 4 stars; one submission).

Submission:

CeGaT Center for Human Genetics Tuebingen
Classification: Uncertain significance. Last evaluated: 2023-07-01. Review status: criteria provided, single submitter. Criteria: CeGaT Center For Human Genetics Tuebingen Variant Classification Criteria Version 2. Collection method: clinical testing. Allele origin: germline. Affected: yes. Observed: 1 variant allele.
Comment: FBN1: PM2, BP4

NM_000138.5(FBN1):c.1304T>C (p.Leu435Pro)

Gene: FBN1 (fibrillin 1; minus strand). Cytogenetic location: 15q21.1.
Variant type: single nucleotide variant.
Coding change: c.1304T>C on transcript NM_000138.5 (MANE Select); coding-DNA position 1304, T replaced by C.
Protein change: p.Leu435Pro; replaces leucine 435 with proline.
Molecular consequence: missense variant.
Genome position (GRCh38, 1-based): chr15:48,516,206, A>G on the plus strand (T>C on the coding strand, the complement: FBN1 is on the minus strand). VCF-style: chr15-48516206-A-G. GRCh37 (hg19) VCF-style: chr15-48808403-A-G.
Other names: c.1304T>C, p.Leu435Pro (NM_001406716.1); short protein forms L435P.
Identifiers: ClinVar variation 2578738 (VCV002578738.25), dbSNP rs2505619363, ClinGen allele CA392345285.